The following is an entry in ClinVar:

ClinVar aggregate classification (germline): Uncertain significance (1 of 4 stars; one submission).

gnomAD v4.1: 3 of 1,211,413 alleles (0.00025%); highest among the groups gnomAD compares: Non-Finnish European, 0.00034%; no homozygotes.

Submission:

GeneDx
Classification: Uncertain significance. Last evaluated: 2023-12-30. Review status: criteria provided, single submitter. Criteria: GeneDx Variant Classification Process June 2021. Collection method: clinical testing. Allele origin: germline. Affected: yes.
Comment: Not observed at significant frequency in large population cohorts (gnomAD); Missense variants in this gene are a common cause of disease and they are underrepresented in the general population; In silico analysis supports that this missense variant does not alter protein structure/function; Has not been previously published as pathogenic or benign to our knowledge

NM_000533.5(PLP1):c.353C>T (p.Thr118Ile)

Genes: PLP1 (proteolipid protein 1; plus strand), RAB9B (RAB9B, member RAS oncogene family; minus strand). Cytogenetic location: Xq22.2.
Variant type: single nucleotide variant.
Coding change: c.353C>T on transcript NM_000533.5 (MANE Select); coding-DNA position 353, C replaced by T.
Protein change: p.Thr118Ile; replaces threonine 118 with isoleucine.
Molecular consequence: missense variant. On other transcripts: intron variant (1).
Genome position (GRCh38, 1-based): chrX:103,786,626, C>T. VCF-style: chrX-103786626-C-T. GRCh37 (hg19) VCF-style: chrX-103041555-C-T.
Other names: c.353C>T, p.Thr118Ile (NM_001128834.3); c.188C>T, p.Thr63Ile (NM_001305004.1); c.348+5C>T (NM_199478.3); short protein forms T118I, T63I.
Identifiers: ClinVar variation 3367283 (VCV003367283.1).